The following is an entry in ClinVar:

ClinVar aggregate classification (germline): Likely benign. Review status: criteria provided, multiple submitters, no conflicts (2 of 4 stars). 4 submissions from 4 submitters: Likely benign (4). Last evaluated 2026-07-04.

Conditions:
Aortic aneurysm, familial thoracic 6 (AAT6). Also called: FAMILIAL THORACIC AORTIC ANEURYSM WITH LIVEDO RETICULARIS AND IRIS FLOCCULI. Identifiers: MedGen C2673186, MONDO:0012730, OMIM 611788.
Familial thoracic aortic aneurysm and aortic dissection (TAAD). Also called: Thoracic aortic aneurysms and dissections. Identifiers: Orphanet 91387, MedGen C4707243, MONDO:0019625.

Allele frequency attached by ClinVar (database versions not stated): gnomAD exomes below 0.00001; TOPMed below 0.00001; gnomAD 0.00001.
gnomAD v4.1: 3 of 1,613,490 alleles (0.00019%); highest among the groups gnomAD compares: African/African-American, 0.0013%; no homozygotes.

Submissions (4):

Ambry Genetics
Classification: Likely benign for Familial thoracic aortic aneurysm and aortic dissection. Last evaluated: 2026-07-04. Review status: criteria provided, single submitter. Criteria: Ambry Variant Classification Scheme 2023. Collection method: clinical testing. Allele origin: germline.

Labcorp Genetics (formerly Invitae), Labcorp
Classification: Likely benign for Aortic aneurysm, familial thoracic 6. Last evaluated: 2025-04-13. Review status: criteria provided, single submitter. Criteria: Invitae Variant Classification Sherloc (09022015). Collection method: clinical testing. Allele origin: germline.

All of Us Research Program, National Institutes of Health
Classification: Likely benign for Familial thoracic aortic aneurysm and aortic dissection. Last evaluated: 2023-12-01. Review status: criteria provided, single submitter. Criteria: ACMG Guidelines, 2015. Collection method: clinical testing. Allele origin: germline. Inheritance: Autosomal dominant inheritance. Observed: 2 variant alleles, 2 heterozygotes.
Comment: This study involves interpretation of variants in research participants for the purpose of population health screening. Participant phenotype was not available at the time of variant classification. Additional details can be found in publication PMID: 35346344, PMCID: PMC8962531

Color Diagnostics, LLC DBA Color Health
Classification: Likely benign for Familial thoracic aortic aneurysm and aortic dissection. Last evaluated: 2022-04-28. Review status: criteria provided, single submitter. Criteria: ACMG Guidelines, 2015. Collection method: clinical testing. Allele origin: germline.

NM_001613.4(ACTA2):c.786C>G (p.Thr262=)

Genes: ACTA2 (actin alpha 2, smooth muscle; minus strand), ACTA2-AS1 (ACTA2 antisense RNA 1; plus strand). Cytogenetic location: 10q23.31.
Variant type: single nucleotide variant.
Coding change: c.786C>G on transcript NM_001613.4 (MANE Select); coding-DNA position 786, C replaced by G.
Protein change: p.Thr262=; no amino-acid change (threonine 262 retained).
Molecular consequence: synonymous variant. On other transcripts: non-coding transcript variant (1), intron variant (1).
Genome position (GRCh38, 1-based): chr10:88,939,529, G>C on the plus strand (C>G on the coding strand, the complement: ACTA2 is on the minus strand). VCF-style: chr10-88939529-G-C. GRCh37 (hg19) VCF-style: chr10-90699286-G-C.
Other names: c.675C>G, p.Thr225= (NM_001406466.1); c.657C>G, p.Thr219= (NM_001406467.1, NM_001406468.1, NM_001406469.1); c.786C>G, p.Thr262= (NM_001141945.3, NM_001320855.2, NM_001406462.1 and 2 more transcripts); c.617-1287C>G (NM_001406471.1).
Identifiers: ClinVar variation 753690 (VCV000753690.12), dbSNP rs1060503847, ClinGen allele CA470731046.